The following is an entry in ClinVar:

ClinVar aggregate classification (germline): Uncertain significance. Review status: criteria provided, single submitter (1 of 4 stars). 2 submissions from 2 submitters: Uncertain significance (1). 1 of the submissions does not count toward it. Last evaluated 2025-03-25.

Conditions:
Cystic fibrosis (CF). Also called: MUCOVISCIDOSIS. Identifiers: Orphanet 586, MedGen C0010674, MONDO:0009061, OMIM 219700. Disease mechanism: loss of function.

Allele frequency attached by ClinVar (database versions not stated): TOPMed below 0.00001; gnomAD 0.00001.
gnomAD v4.1: 2 of 1,591,848 alleles (0.00013%); highest among the groups gnomAD compares: Non-Finnish European, 0.00017%; no homozygotes.

Submissions (2):

Ambry Genetics
Classification: Uncertain significance for Cystic fibrosis. Last evaluated: 2025-03-25. Review status: criteria provided, single submitter. Criteria: Ambry Variant Classification Scheme 2023. Collection method: clinical testing. Allele origin: germline.
Comment: The p.K598E variant (also known as c.1792A>G), located in coding exon 14 of the CFTR gene, results from an A to G substitution at nucleotide position 1792. The lysine at codon 598 is replaced by glutamic acid, an amino acid with similar properties. This variant was identified in an individual diagnosed with recurrent pancreatitis and chronic airway disease who also carried p.F508del mutation; however, the phase was not determined (Keiles S, Pancreas 2006 Oct; 33(3):221-7). This amino acid position is highly conserved in available vertebrate species. In addition, this alteration is predicted to be deleterious by in silico analysis. Based on the available evidence, the clinical significance of this variant remains unclear.

Counsyl
Classification: Uncertain significance for Cystic fibrosis. Last evaluated: 2017-01-31. Review status: no assertion criteria provided. Collection method: clinical testing. Allele origin: unknown. Not counted in ClinVar's aggregate classification.

Literature cited by the submitters: PubMed 17003641 (cited by Ambry Genetics and Counsyl).

NM_000492.4(CFTR):c.1792A>G (p.Lys598Glu)

Gene: CFTR (CF transmembrane conductance regulator; plus strand). Cytogenetic location: 7q31.2.
Variant type: single nucleotide variant.
Coding change: c.1792A>G on transcript NM_000492.4 (MANE Select); coding-DNA position 1792, A replaced by G.
Protein change: p.Lys598Glu; replaces lysine 598 with glutamic acid.
Molecular consequence: missense variant.
Genome position (GRCh38, 1-based): chr7:117,591,959, A>G. VCF-style: chr7-117591959-A-G. GRCh37 (hg19) VCF-style: chr7-117232013-A-G.
Other names: short protein forms K598E.
Identifiers: ClinVar variation 550492 (VCV000550492.5), dbSNP rs397508302, ClinGen allele CA368977872.
Genomic context (GRCh38, chr7:117,591,959, plus strand): 5'-TAAAATTGATATTTATATGTTTTTATATCTTAAAGCTGTGTCTGTAAACTGATGGCTAAC[A>G]AAACTAGGATTTTGGTCACTTCTAAAATGGAACATTTAAAGAAAGCTGACAAAATATTAA-3'
Protein context (NP_000483.3, residues 588-608): ESCVCKLMAN[Lys598Glu]TRILVTSKME